The following is an entry in ClinVar:

ClinVar aggregate classification (germline): Uncertain significance (1 of 4 stars; one submission).

gnomAD v4.1: 12 of 1,614,000 alleles (0.00074%); highest among the groups gnomAD compares: Non-Finnish European, 0.00085%; no homozygotes.

Submission:

Ambry Genetics
Classification: Uncertain significance. Last evaluated: 2025-12-24. Review status: criteria provided, single submitter. Criteria: Ambry Variant Classification Scheme 2023. Collection method: clinical testing. Allele origin: germline.
Comment: The p.Y899C variant (also known as c.2696A>G), located in coding exon 1 of the TET2 gene, results from an A to G substitution at nucleotide position 2696. The tyrosine at codon 899 is replaced by cysteine, an amino acid with highly dissimilar properties. This amino acid position is conserved. In addition, this alteration is predicted to be tolerated by in silico analysis. Based on the available evidence, the clinical significance of this variant remains unclear.

NM_001127208.3(TET2):c.2696A>G (p.Tyr899Cys)

Genes: TET2 (tet methylcytosine dioxygenase 2; plus strand), TET2-AS1 (TET2 antisense RNA 1; minus strand). Cytogenetic location: 4q24.
Variant type: single nucleotide variant.
Coding change: c.2696A>G on transcript NM_001127208.3 (MANE Select); coding-DNA position 2696, A replaced by G.
Protein change: p.Tyr899Cys; replaces tyrosine 899 with cysteine.
Molecular consequence: missense variant.
Genome position (GRCh38, 1-based): chr4:105,236,638, A>G. VCF-style: chr4-105236638-A-G. GRCh37 (hg19) VCF-style: chr4-106157795-A-G.
Other names: c.2696A>G, p.Tyr899Cys (NM_017628.4); short protein forms Y899C.
Identifiers: ClinVar variation 4843492 (VCV004843492.1).